The following is an entry in ClinVar:

ClinVar aggregate classification (germline): Uncertain significance (1 of 4 stars; one submission).

Submission:

Ambry Genetics
Classification: Uncertain significance. Last evaluated: 2024-08-02. Review status: criteria provided, single submitter. Criteria: Ambry Variant Classification Scheme 2023. Collection method: clinical testing. Allele origin: germline.
Comment: The p.T348S variant (also known as c.1043C>G), located in coding exon 8 of the RINT1 gene, results from a C to G substitution at nucleotide position 1043. The threonine at codon 348 is replaced by serine, an amino acid with similar properties. This amino acid position is conserved. In addition, this alteration is predicted to be tolerated by in silico analysis. Based on the available evidence, the clinical significance of this variant remains unclear.

NM_021930.6(RINT1):c.1043C>G (p.Thr348Ser)

Gene: RINT1 (RAD50 interactor 1; plus strand). Cytogenetic location: 7q22.3.
Variant type: single nucleotide variant.
Coding change: c.1043C>G on transcript NM_021930.6 (MANE Select); coding-DNA position 1043, C replaced by G.
Protein change: p.Thr348Ser; replaces threonine 348 with serine.
Molecular consequence: missense variant. On other transcripts: non-coding transcript variant (1).
Genome position (GRCh38, 1-based): chr7:105,550,101, C>G. VCF-style: chr7-105550101-C-G. GRCh37 (hg19) VCF-style: chr7-105190548-C-G.
Other names: c.809C>G, p.Thr270Ser (NM_001346599.2); c.20C>G, p.Thr7Ser (NM_001346600.2, NM_001346603.2); c.119C>G, p.Thr40Ser (NM_001346601.2); short protein forms T348S, T7S, T270S, T40S.
Identifiers: ClinVar variation 3433593 (VCV003433593.1).
Genomic context (GRCh38, chr7:105,550,101, plus strand): 5'-TCCTCCTTCCTTAGCCAGAATGGTACTTGGCTCAAGTACTTATGTGGATTGGAAACCATA[C>G]TGAATTTCTGGATGAGAAGATTCAGCCAATATTAGACAAAGTAGGCTCTTTGGTAAACGC-3'
Protein context (NP_068749.3, residues 338-358): AQVLMWIGNH[Thr348Ser]EFLDEKIQPI